The following is an entry in ClinVar:

NM_000821.7(GGCX):c.*781A>C

Gene: GGCX (gamma-glutamyl carboxylase; minus strand). Cytogenetic location: 2p11.2.
Variant type: single nucleotide variant.
Coding change: c.*781A>C on transcript NM_000821.7 (MANE Select); 781 bases downstream of the stop codon, A replaced by C.
Molecular consequence: 3 prime UTR variant.
Genome position (GRCh38, 1-based): chr2:85,549,153, T>G on the plus strand (A>C on the coding strand, the complement: GGCX is on the minus strand). VCF-style: chr2-85549153-T-G. GRCh37 (hg19) VCF-style: chr2-85776276-T-G.
Other names: c.*781A>C (NM_001142269.4).
Identifiers: ClinVar variation 337238 (VCV000337238.5), dbSNP rs142680507, ClinGen allele CA10616316.

ClinVar aggregate classification (germline): Likely benign (1 of 4 stars; one submission).

Conditions:
Vitamin K-dependent clotting factors, combined deficiency of, type 1. Also called: FACTORS II, VII, IX, AND X, COMBINED DEFICIENCY OF; FAMILIAL MULTIPLE COAGULATION FACTOR DEFICIENCY III; FMFD III; GLUTAMIC ACID, DEFICIENT GAMMA-CARBOXYLATION OF; MULTIPLE COAGULATION FACTOR DEFICIENCY III; VITAMIN K-DEPENDENT COAGULATION DEFECT. Identifiers: Orphanet 98434, MedGen C1848534, MONDO:0010187, OMIM 277450.

Allele frequency attached by ClinVar (database versions not stated): 1000 Genomes Project 30x 0.00718; 1000 Genomes Project 0.00759; TOPMed 0.01025; gnomAD 0.01316 and 0.01337.

Submission:

Illumina Laboratory Services, Illumina
Classification: Likely benign for Vitamin K-dependent clotting factors, combined deficiency of, type 1. Last evaluated: 2018-01-13. Review status: criteria provided, single submitter. Criteria: ICSL Variant Classification Criteria 13 December 2019. Collection method: clinical testing. Allele origin: germline.
Comment: This variant was observed in the ICSL laboratory as part of a predisposition screen in an ostensibly healthy population. It had not been previously curated by ICSL or reported in the Human Gene Mutation Database (HGMD: prior to June 1st, 2018), and was therefore a candidate for classification through an automated scoring system. Utilizing variant allele frequency, disease prevalence and penetrance estimates, and inheritance mode, an automated score was calculated to assess if this variant is too frequent to cause the disease. Based on the score and internal cut-off values, a variant classified as likely benign is not then subjected to further curation. The score for this variant resulted in a classification of likely benign for this disease.